The following is an entry in ClinVar:

ClinVar aggregate classification (germline): Uncertain significance (1 of 4 stars; one submission).

Allele frequency attached by ClinVar (database versions not stated): TOPMed 0.00001.

Submission:

GeneDx
Classification: Uncertain significance. Last evaluated: 2022-12-09. Review status: criteria provided, single submitter. Criteria: GeneDx Variant Classification Process June 2021. Collection method: clinical testing. Allele origin: germline. Affected: yes.
Comment: Not observed at significant frequency in large population cohorts (gnomAD); In silico analysis supports that this missense variant has a deleterious effect on protein structure/function; Has not been previously published as pathogenic or benign to our knowledge; This variant is associated with the following publications: (PMID: 25641508)

NM_001278116.2(L1CAM):c.641C>T (p.Pro214Leu)

Gene: L1CAM (L1 cell adhesion molecule; minus strand). Cytogenetic location: Xq28.
Variant type: single nucleotide variant.
Coding change: c.641C>T on transcript NM_001278116.2 (MANE Select); coding-DNA position 641, C replaced by T.
Protein change: p.Pro214Leu; replaces proline 214 with leucine.
Molecular consequence: missense variant.
Genome position (GRCh38, 1-based): chrX:153,870,843, G>A on the plus strand (C>T on the coding strand, the complement: L1CAM is on the minus strand). VCF-style: chrX-153870843-G-A. GRCh37 (hg19) VCF-style: chrX-153136298-G-A.
Other names: c.641C>T, p.Pro214Leu (NM_000425.5, NM_024003.3); c.626C>T, p.Pro209Leu (NM_001143963.2); short protein forms P209L, P214L.
Identifiers: ClinVar variation 2504694 (VCV002504694.1), dbSNP rs1412886010, ClinGen allele CA415135152.